The following is an entry in ClinVar:

ClinVar aggregate classification (germline): Uncertain significance (1 of 4 stars; one submission).

Conditions:
Familial thoracic aortic aneurysm and aortic dissection (TAAD). Also called: Thoracic aortic aneurysms and dissections. Identifiers: Orphanet 91387, MedGen C4707243, MONDO:0019625.

Allele frequency attached by ClinVar (database versions not stated): gnomAD exomes below 0.00001.
gnomAD v4.1: 1 of 1,614,158 alleles (0.000062%); highest among the groups gnomAD compares: Non-Finnish European, 0.000085%; no homozygotes.

Submission:

Ambry Genetics
Classification: Uncertain significance for Familial thoracic aortic aneurysm and aortic dissection. Last evaluated: 2021-11-28. Review status: criteria provided, single submitter. Criteria: Ambry Variant Classification Scheme 2023. Collection method: clinical testing. Allele origin: germline.
Comment: The p.N403S variant (also known as c.1208A>G), located in coding exon 7 of the TGFB3 gene, results from an A to G substitution at nucleotide position 1208. The asparagine at codon 403 is replaced by serine, an amino acid with highly similar properties. This amino acid position is conserved. In addition, the in silico prediction for this alteration is inconclusive. Since supporting evidence is limited at this time, the clinical significance of this alteration remains unclear.

NM_003239.5(TGFB3):c.1208A>G (p.Asn403Ser)

Gene: TGFB3 (transforming growth factor beta 3; minus strand). Cytogenetic location: 14q24.3.
Variant type: single nucleotide variant.
Coding change: c.1208A>G on transcript NM_003239.5 (MANE Select); coding-DNA position 1208, A replaced by G.
Protein change: p.Asn403Ser; replaces asparagine 403 with serine.
Molecular consequence: missense variant.
Genome position (GRCh38, 1-based): chr14:75,959,218, T>C on the plus strand (A>G on the coding strand, the complement: TGFB3 is on the minus strand). VCF-style: chr14-75959218-T-C. GRCh37 (hg19) VCF-style: chr14-76425561-T-C.
Other names: c.1208A>G, p.Asn403Ser (NM_001329939.2); short protein forms N403S.
Identifiers: ClinVar variation 1749208 (VCV001749208.2), dbSNP rs1328879166, ClinGen allele CA390466694.